The following is an entry in ClinVar:

NM_001184880.2(PCDH19):c.1419_1422del (p.Ser474fs)

Gene: PCDH19 (protocadherin 19; minus strand). Cytogenetic location: Xq22.1.
Variant type: Microsatellite.
Coding change: c.1419_1422del on transcript NM_001184880.2 (MANE Select); coding-DNA positions 1419 to 1422, 4 bases deleted (CTCT; older notation c.1419_1422delCTCT).
Protein change: p.Ser474fs; shifts the reading frame from serine 474.
Molecular consequence: frameshift variant.
Genome position (GRCh38, 1-based): chrX:100,407,176-100,407,179, AGAG deleted on the plus strand (CTCT on the coding strand, the reverse complement: PCDH19 is on the minus strand); deleting any 4 consecutive bases within chrX:100,407,176-100,407,181 gives the same sequence; the c. name uses the placement nearest the transcript's 3' end. VCF-style (leftmost placement, unchanged base first): chrX-100407175-CAGAG-C. GRCh37 (hg19) VCF-style: chrX-99662173-CAGAG-C.
Other names: c.1419_1422del, p.Ser474fs (NM_001105243.2, NM_020766.3); c.1419_1422del (NM_001184880.1); short protein forms S474fs.
Identifiers: ClinVar variation 426961 (VCV000426961.11), dbSNP rs1085307873, ClinGen allele CA645294133.

ClinVar aggregate classification (germline): Pathogenic. Review status: criteria provided, multiple submitters, no conflicts (2 of 4 stars). 2 submissions from 2 submitters: Pathogenic (2). Last evaluated 2019-09-29.

Conditions:
Developmental and epileptic encephalopathy, 9 (DEE9). Also called: Early infantile epileptic encephalopathy 9; JUBERG-HELLMAN SYNDROME; EPILEPSY, FEMALE-RESTRICTED, WITH MENTAL RETARDATION; PCDH19-Related X-Linked Female-Limited Epilepsy with Mental Retardation. Identifiers: Orphanet 101039, Orphanet 2076, MedGen C1848137, MONDO:0010246, OMIM 300088. Disease mechanism: loss of function.

Submissions (2):

Labcorp Genetics (formerly Invitae), Labcorp
Classification: Pathogenic for Developmental and epileptic encephalopathy, 9. Last evaluated: 2019-09-29. Review status: criteria provided, single submitter. Criteria: Invitae Variant Classification Sherloc (09022015). Collection method: clinical testing. Allele origin: germline.
Comment: This sequence change creates a premature translational stop signal (p.Ser474Cysfs*94) in the PCDH19 gene. It is expected to result in an absent or disrupted protein product. This variant is not present in population databases (ExAC no frequency). This variant has not been reported in the literature in individuals with PCDH19-related conditions. ClinVar contains an entry for this variant (Variation ID: 426961). Loss-of-function variants in PCDH19 are known to be pathogenic (PMID: 21053371). For these reasons, this variant has been classified as Pathogenic.

GeneDx
Classification: Pathogenic. Last evaluated: 2019-06-24. Review status: criteria provided, single submitter. Criteria: GeneDx Variant Classification Process June 2021. Collection method: clinical testing. Allele origin: germline. Affected: yes.
Comment: Frameshift variant predicted to result in protein truncation or nonsense mediated decay in a gene for which loss-of-function is a known mechanism of disease; Not observed in large population cohorts (Lek et al., 2016); Has not been previously published as pathogenic or benign to our knowledge

Literature cited by the submitters: PubMed 21053371 (cited by Labcorp Genetics (formerly Invitae), Labcorp).